The following is an entry in ClinVar:

NM_017607.4(PPP1R12C):c.114C>T (p.Gly38=)

Gene: PPP1R12C (protein phosphatase 1 regulatory subunit 12C; minus strand). Cytogenetic location: 19q13.42.
Variant type: single nucleotide variant.
Coding change: c.114C>T on transcript NM_017607.4 (MANE Select); coding-DNA position 114, C replaced by T.
Protein change: p.Gly38=; no amino-acid change (glycine 38 retained).
Molecular consequence: synonymous variant.
Genome position (GRCh38, 1-based): chr19:55,117,430, G>A on the plus strand (C>T on the coding strand, the complement: PPP1R12C is on the minus strand). VCF-style: chr19-55117430-G-A. GRCh37 (hg19) VCF-style: chr19-55628798-G-A.
Other names: c.114C>T, p.Gly38= (NM_001271618.2).
Identifiers: ClinVar variation 2650512 (VCV002650512.24), dbSNP rs867581031, ClinGen allele CA310120890.

ClinVar aggregate classification (germline): Likely benign (1 of 4 stars; one submission).

Allele frequency attached by ClinVar (database versions not stated): 1000 Genomes Project 30x 0.00031; gnomAD exomes 0.00035; gnomAD 0.00097; TOPMed 0.00112.
gnomAD v4.1: 476 of 1,000,608 alleles (0.048%); highest among the groups gnomAD compares: Middle Eastern, 0.91%; 2 homozygotes.

Submission:

CeGaT Center for Human Genetics Tuebingen
Classification: Likely benign. Last evaluated: 2022-12-01. Review status: criteria provided, single submitter. Criteria: CeGaT Center For Human Genetics Tuebingen Variant Classification Criteria Version 2. Collection method: clinical testing. Allele origin: germline. Affected: yes. Observed: 1 variant allele.
Comment: PPP1R12C: BP4, BP7